The following is an entry in ClinVar:

ClinVar aggregate classification (germline): Uncertain significance (1 of 4 stars; one submission).

Conditions:
Cohen syndrome (COH1). Also called: Cutis verticis gyrata, retinitis pigmentosa, and sensorineural deafness; PEPPER SYNDROME. Identifiers: Orphanet 193, MedGen C0265223, MONDO:0008999, OMIM 216550.

Submission:

Labcorp Genetics (formerly Invitae), Labcorp
Classification: Uncertain significance for Cohen syndrome. Last evaluated: 2021-08-28. Review status: criteria provided, single submitter. Criteria: Invitae Variant Classification Sherloc (09022015). Collection method: clinical testing. Allele origin: germline.
Comment: In summary, the available evidence is currently insufficient to determine the role of this variant in disease. Therefore, it has been classified as a Variant of Uncertain Significance. Algorithms developed to predict the effect of missense changes on protein structure and function are either unavailable or do not agree on the potential impact of this missense change (SIFT: "Not Available"; PolyPhen-2: "Benign"; Align-GVGD: "Not Available"). This variant has not been reported in the literature in individuals affected with VPS13B-related conditions. This variant is not present in population databases (ExAC no frequency). This sequence change replaces alanine with serine at codon 4002 of the VPS13B protein (p.Ala4002Ser). The alanine residue is moderately conserved and there is a moderate physicochemical difference between alanine and serine.

NM_152564.5(VPS13B):c.11929G>T (p.Ala3977Ser)

Gene: VPS13B (vacuolar protein sorting 13 homolog B; plus strand). Cytogenetic location: 8q22.2.
Variant type: single nucleotide variant.
Coding change: c.11929G>T on transcript NM_152564.5 (MANE Select); coding-DNA position 11929, G replaced by T.
Protein change: p.Ala3977Ser; replaces alanine 3977 with serine.
Molecular consequence: missense variant.
Genome position (GRCh38, 1-based): chr8:99,875,601, G>T. VCF-style: chr8-99875601-G-T. GRCh37 (hg19) VCF-style: chr8-100887829-G-T.
Other names: c.12004G>T, p.Ala4002Ser (NM_017890.5); short protein forms A3977S, A4002S.
Identifiers: ClinVar variation 1378329 (VCV001378329.6), dbSNP rs2130990784, ClinGen allele CA371796064.